The following is an entry in ClinVar:

NM_004336.5(BUB1):c.1238A>G (p.His413Arg)

Gene: BUB1 (BUB1 mitotic checkpoint serine/threonine kinase; minus strand). Cytogenetic location: 2q13.
Variant type: single nucleotide variant.
Coding change: c.1238A>G on transcript NM_004336.5 (MANE Select); coding-DNA position 1238, A replaced by G.
Protein change: p.His413Arg; replaces histidine 413 with arginine.
Molecular consequence: missense variant.
Genome position (GRCh38, 1-based): chr2:110,660,016, T>C on the plus strand (A>G on the coding strand, the complement: BUB1 is on the minus strand). VCF-style: chr2-110660016-T-C. GRCh37 (hg19) VCF-style: chr2-111417593-T-C.
Other names: c.1178A>G, p.His393Arg (NM_001278616.2); c.1238A>G, p.His413Arg (NM_001278617.2); short protein forms H393R, H413R.
Identifiers: ClinVar variation 3262096 (VCV003262096.1).

ClinVar aggregate classification (germline): Uncertain significance (1 of 4 stars; one submission).

gnomAD v4.1: 10 of 1,611,774 alleles (0.00062%); highest among the groups gnomAD compares: Non-Finnish European, 0.00085%; no homozygotes.

Submission:

Ambry Genetics
Classification: Uncertain significance. Last evaluated: 2024-05-26. Review status: criteria provided, single submitter. Criteria: Ambry Variant Classification Scheme 2023. Collection method: clinical testing. Allele origin: germline.
Comment: The p.H413R variant (also known as c.1238A>G), located in coding exon 11 of the BUB1 gene, results from an A to G substitution at nucleotide position 1238. The histidine at codon 413 is replaced by arginine, an amino acid with highly similar properties. This amino acid position is conserved. In addition, this alteration is predicted to be tolerated by in silico analysis. Based on the available evidence, the clinical significance of this variant remains unclear.